The following is an entry in ClinVar:

ClinVar aggregate classification (germline): Uncertain significance (1 of 4 stars; one submission).

Submission:

Labcorp Genetics (formerly Invitae), Labcorp
Classification: Uncertain significance. Last evaluated: 2025-11-09. Review status: criteria provided, single submitter. Criteria: Invitae Variant Classification Sherloc (09022015). Collection method: clinical testing. Allele origin: germline.
Comment: This sequence change creates a premature translational stop signal (p.Trp204*) in the GUCY2C gene. It is expected to result in an absent or disrupted protein product. However, the current clinical and genetic evidence is not sufficient to establish whether loss-of-function variants in GUCY2C cause disease. This variant is present in population databases (rs754399539, gnomAD 0.009%). This variant has not been reported in the literature in individuals affected with GUCY2C-related conditions. Algorithms developed to predict the effect of sequence changes on RNA splicing suggest that this variant may disrupt the consensus splice site. In summary, the available evidence is currently insufficient to determine the role of this variant in disease. Therefore, it has been classified as a Variant of Uncertain Significance.

NM_004963.4(GUCY2C):c.611G>A (p.Trp204Ter)

Genes: GUCY2C (guanylate cyclase 2C; minus strand), GUCY2C-AS1 (GUCY2C antisense RNA 1; plus strand). Cytogenetic location: 12p12.3.
Variant type: single nucleotide variant.
Coding change: c.611G>A on transcript NM_004963.4 (MANE Select); coding-DNA position 611, G replaced by A.
Protein change: p.Trp204Ter; replaces tryptophan 204 with a stop codon.
Molecular consequence: nonsense.
Genome position (GRCh38, 1-based): chr12:14,683,042, C>T on the plus strand (G>A on the coding strand, the complement: GUCY2C is on the minus strand). VCF-style: chr12-14683042-C-T. GRCh37 (hg19) VCF-style: chr12-14835976-C-T.
Other names: short protein forms W204*.
Identifiers: ClinVar variation 4776180 (VCV004776180.1).